The following is an entry in ClinVar:

ClinVar aggregate classification (germline): Uncertain significance. Review status: criteria provided, multiple submitters, no conflicts (2 of 4 stars). 2 submissions from 2 submitters: Uncertain significance (2). Last evaluated 2024-12-02.

Conditions:
Inborn genetic diseases. Identifiers: MedGen C0950123, MeSH D030342.
Beta-D-mannosidosis (MANSB). Also called: Beta-Mannosidosis; MANNOSIDOSIS, BETA A, LYSOSOMAL; BETA-MANNOSIDASE DEFICIENCY; LYSOSOMAL BETA-MANNOSIDASE DEFICIENCY. Identifiers: Orphanet 118, MedGen C4048196, MONDO:0009562, OMIM 248510.

Allele frequency attached by ClinVar (database versions not stated): gnomAD exomes 0.00004; ExAC 0.00003; TOPMed 0.00005; ESP Exome Variant Server 0.00015; gnomAD 0.00003.
gnomAD v4.1: 66 of 1,607,184 alleles (0.0041%); highest among the groups gnomAD compares: Non-Finnish European, 0.0052%; no homozygotes.

Submissions (2):

Ambry Genetics
Classification: Uncertain significance for Inborn genetic diseases. Last evaluated: 2024-12-02. Review status: criteria provided, single submitter. Criteria: Ambry Variant Classification Scheme 2023. Collection method: clinical testing. Allele origin: germline.

Labcorp Genetics (formerly Invitae), Labcorp
Classification: Uncertain significance for Beta-D-mannosidosis. Last evaluated: 2022-03-12. Review status: criteria provided, single submitter. Criteria: Invitae Variant Classification Sherloc (09022015). Collection method: clinical testing. Allele origin: germline.
Comment: This sequence change replaces leucine, which is neutral and non-polar, with valine, which is neutral and non-polar, at codon 566 of the MANBA protein (p.Leu566Val). This variant is present in population databases (rs145730170, gnomAD 0.008%). This variant has not been reported in the literature in individuals affected with MANBA-related conditions. Algorithms developed to predict the effect of missense changes on protein structure and function are either unavailable or do not agree on the potential impact of this missense change (SIFT: "Tolerated"; PolyPhen-2: "Possibly Damaging"; Align-GVGD: "Class C0"). Algorithms developed to predict the effect of sequence changes on RNA splicing suggest that this variant may create or strengthen a splice site. In summary, the available evidence is currently insufficient to determine the role of this variant in disease. Therefore, it has been classified as a Variant of Uncertain Significance.

NM_005908.4(MANBA):c.1696T>G (p.Leu566Val)

Gene: MANBA (mannosidase beta; minus strand). Cytogenetic location: 4q24.
Variant type: single nucleotide variant.
Coding change: c.1696T>G on transcript NM_005908.4 (MANE Select); coding-DNA position 1696, T replaced by G.
Protein change: p.Leu566Val; replaces leucine 566 with valine.
Molecular consequence: missense variant.
Genome position (GRCh38, 1-based): chr4:102,657,690, A>C on the plus strand (T>G on the coding strand, the complement: MANBA is on the minus strand). VCF-style: chr4-102657690-A-C. GRCh37 (hg19) VCF-style: chr4-103578847-A-C.
Other names: c.1696T>G (NM_005908.3); short protein forms L566V.
Identifiers: ClinVar variation 2193814 (VCV002193814.2), dbSNP rs145730170, ClinGen allele CA3026834.